The following is an entry in ClinVar:

ClinVar aggregate classification (germline): Pathogenic. Review status: criteria provided, multiple submitters, no conflicts (2 of 4 stars). 2 submissions from 2 submitters: Pathogenic (2). Last evaluated 2022-06-29.

Conditions:
IPO8-related aortopathy.

gnomAD v4.1: 5 of 1,540,734 alleles (0.00032%); highest among the groups gnomAD compares: African/African-American, 0.0014%; no homozygotes.

Submissions (2):

Labcorp Genetics (formerly Invitae), Labcorp
Classification: Pathogenic. Last evaluated: 2022-06-29. Review status: criteria provided, single submitter. Criteria: Invitae Variant Classification Sherloc (09022015). Collection method: clinical testing. Allele origin: germline.
Comment: This sequence change creates a premature translational stop signal (p.Arg474*) in the IPO8 gene. It is expected to result in an absent or disrupted protein product. Loss-of-function variants in IPO8 are known to be pathogenic (PMID: 33875846). This variant is not present in population databases (gnomAD no frequency). This premature translational stop signal has been observed in individual(s) with clinical features of IPO8-related condition(s) (PMID: 34010605). ClinVar contains an entry for this variant (Variation ID: 1047908). Algorithms developed to predict the effect of sequence changes on RNA splicing suggest that this variant may disrupt the consensus splice site. For these reasons, this variant has been classified as Pathogenic.

Centre of Medical Genetics, University of Antwerp
Classification: Pathogenic for IPO8-related aortopathy. Last evaluated: 2021-03-18. Review status: criteria provided, single submitter. Criteria: ACMG Guidelines, 2015. Collection method: research. Allele origin: germline. Affected: yes.
Comment: PVS1, PM2, PM3

Literature cited by the submitters: PubMed 33875846 (cited by Labcorp Genetics (formerly Invitae), Labcorp); PubMed 34010605 (cited by Labcorp Genetics (formerly Invitae), Labcorp and Centre of Medical Genetics, University of Antwerp).

NM_006390.4(IPO8):c.1420C>T (p.Arg474Ter)

Gene: IPO8 (importin 8; minus strand). Cytogenetic location: 12p11.21.
Variant type: single nucleotide variant.
Coding change: c.1420C>T on transcript NM_006390.4 (MANE Select); coding-DNA position 1420, C replaced by T.
Protein change: p.Arg474Ter; replaces arginine 474 with a stop codon.
Molecular consequence: nonsense.
Genome position (GRCh38, 1-based): chr12:30,665,228, G>A on the plus strand (C>T on the coding strand, the complement: IPO8 is on the minus strand). VCF-style: chr12-30665228-G-A. GRCh37 (hg19) VCF-style: chr12-30818162-G-A.
Other names: c.805C>T, p.Arg269Ter (NM_001190995.2); short protein forms R269*, R474*.
Identifiers: ClinVar variation 1047908 (VCV001047908.4), dbSNP rs1160566841, ClinGen allele CA384227519.